The following is an entry in ClinVar:

ClinVar aggregate classification (germline): Conflicting classifications of pathogenicity. Review status: criteria provided, conflicting classifications (1 of 4 stars). 3 submissions from 3 submitters: Uncertain significance (2); Likely benign (1). Last evaluated 2025-12-22.

Conditions:
Loeys-Dietz syndrome 2 (LDS2). Also called: AORTIC ANEURYSM, FAMILIAL THORACIC 3; MARFAN SYNDROME, TYPE II; Marfan syndrome, type 2 (formerly); TGFBR2-Related Loeys-Dietz Syndrome; Marfan Syndrome type 2; Marfan like connective tissue disorder. Identifiers: Orphanet 284973, Orphanet 558, MedGen C2674574, MONDO:0012427, OMIM 610168.

Allele frequency attached by ClinVar (database versions not stated): ExAC 0.00002; gnomAD 0.00004 and 0.00005; TOPMed 0.00005; gnomAD exomes 0.00006 and 0.00008.
gnomAD v4.1: 121 of 1,614,006 alleles (0.0075%); highest among the groups gnomAD compares: Non-Finnish European, 0.01%; no homozygotes.

Submissions (3):

Labcorp Genetics (formerly Invitae), Labcorp
Classification: Uncertain significance for Loeys-Dietz syndrome 2. Last evaluated: 2025-12-22. Review status: criteria provided, single submitter. Criteria: Invitae Variant Classification Sherloc (09022015). Collection method: clinical testing. Allele origin: germline.
Comment: This sequence change replaces glutamine, which is neutral and polar, with histidine, which is basic and polar, at codon 297 of the TMPO protein (p.Gln297His). This variant is present in population databases (rs779961791, gnomAD 0.01%). This variant has not been reported in the literature in individuals affected with TMPO-related conditions. ClinVar contains an entry for this variant (Variation ID: 658454). Invitae Evidence Modeling of protein sequence and biophysical properties (such as structural, functional, and spatial information, amino acid conservation, physicochemical variation, residue mobility, and thermodynamic stability) indicates that this missense variant is not expected to disrupt TMPO protein function with a negative predictive value of 80%. In summary, the available evidence is currently insufficient to determine the role of this variant in disease. Therefore, it has been classified as a Variant of Uncertain Significance.

Ambry Genetics
Classification: Likely benign. Last evaluated: 2024-05-28. Review status: criteria provided, single submitter. Criteria: Ambry Variant Classification Scheme 2023. Collection method: clinical testing. Allele origin: germline.

GeneDx
Classification: Uncertain significance. Last evaluated: 2022-11-10. Review status: criteria provided, single submitter. Criteria: GeneDx Variant Classification Process June 2021. Collection method: clinical testing. Allele origin: germline. Affected: yes.
Comment: In silico analysis supports that this missense variant does not alter protein structure/function; Has not been previously published as pathogenic or benign to our knowledge

NM_001032283.3(TMPO):c.565+1310G>C

Gene: TMPO (thymopoietin; plus strand). Cytogenetic location: 12q23.1.
Variant type: single nucleotide variant.
Coding change: c.565+1310G>C on transcript NM_001032283.3 (MANE Select); 1310 bases into the intron after coding-DNA position 565, G replaced by C.
Molecular consequence: intron variant. On other transcripts: missense variant (1).
Genome position (GRCh38, 1-based): chr12:98,533,148, G>C. VCF-style: chr12-98533148-G-C. GRCh37 (hg19) VCF-style: chr12-98926926-G-C.
Other names: c.891G>C, p.Gln297His (NM_003276.2); c.565+1310G>C (NM_001307975.2, NM_001032284.3); short protein forms Q297H.
Identifiers: ClinVar variation 658454 (VCV000658454.13), dbSNP rs779961791, ClinGen allele CA6732308.